The following is an entry in ClinVar:

ClinVar aggregate classification (germline): Uncertain significance. Review status: criteria provided, multiple submitters, no conflicts (2 of 4 stars). 2 submissions from 2 submitters: Uncertain significance (2). Last evaluated 2024-08-19.

Conditions:
Neurodevelopmental disorder. Identifiers: MedGen C1535926, MeSH D065886, MONDO:0700092.

Allele frequency attached by ClinVar (database versions not stated): gnomAD exomes 0.00001; TOPMed 0.00002.
gnomAD v4.1: 5 of 1,210,684 alleles (0.00041%); highest among the groups gnomAD compares: Non-Finnish European, 0.00056%; no homozygotes.

Submissions (2):

Labcorp Genetics (formerly Invitae), Labcorp
Classification: Uncertain significance. Last evaluated: 2024-08-19. Review status: criteria provided, single submitter. Criteria: Invitae Variant Classification Sherloc (09022015). Collection method: clinical testing. Allele origin: germline.
Comment: This sequence change replaces proline, which is neutral and non-polar, with glutamine, which is neutral and polar, at codon 2501 of the USP9X protein (p.Pro2501Gln). This variant is not present in population databases (gnomAD no frequency). This variant has not been reported in the literature in individuals affected with USP9X-related conditions. ClinVar contains an entry for this variant (Variation ID: 1321943). An algorithm developed to predict the effect of missense changes on protein structure and function (PolyPhen-2) suggests that this variant is likely to be tolerated. In summary, the available evidence is currently insufficient to determine the role of this variant in disease. Therefore, it has been classified as a Variant of Uncertain Significance.

Laboratory of Molecular Genetics (Pr. Bezieau's lab), CHU de Nantes
Classification: Uncertain significance for Neurodevelopmental disorder. Last evaluated: 2021-06-21. Review status: criteria provided, single submitter. Criteria: ACMG Guidelines, 2015. Collection method: clinical testing. Allele origin: germline. Affected: yes.

NM_001039591.3(USP9X):c.7454C>A (p.Pro2485Gln)

Gene: USP9X (ubiquitin specific peptidase 9 X-linked; plus strand). Cytogenetic location: Xp11.4.
Variant type: single nucleotide variant.
Coding change: c.7454C>A on transcript NM_001039591.3 (MANE Select); coding-DNA position 7454, C replaced by A.
Protein change: p.Pro2485Gln; replaces proline 2485 with glutamine.
Molecular consequence: missense variant.
Genome position (GRCh38, 1-based): chrX:41,230,523, C>A. VCF-style: chrX-41230523-C-A. GRCh37 (hg19) VCF-style: chrX-41089776-C-A.
Other names: c.7502C>A, p.Pro2501Gln (NM_001039590.3); short protein forms P2485Q, P2501Q.
Identifiers: ClinVar variation 1321943 (VCV001321943.4), dbSNP rs2063351416, ClinGen allele CA412754451.